The following is an entry in ClinVar:

ClinVar aggregate classification (germline): Uncertain significance (1 of 4 stars; one submission).

Conditions:
TTN-related disorder. Also called: TTN-related disorders; TTN-related condition; TTN-related disease.

gnomAD v4.1: 5 of 1,613,796 alleles (0.00031%); highest among the groups gnomAD compares: Non-Finnish European, 0.00042%; no homozygotes.

Submission:

PreventionGenetics, part of Exact Sciences
Classification: Uncertain significance for TTN-related condition. Last evaluated: 2025-05-21. Review status: criteria provided, single submitter. Criteria: ACMG Guidelines, 2015. Collection method: clinical testing. Allele origin: germline.
Comment: The TTN c.17038G>A variant is predicted to result in the amino acid substitution p.Gly5680Ser. To our knowledge, this variant has not been reported in the literature or in a large population database (gnomAD), indicating this variant is rare. At this time, the clinical significance of this variant is uncertain due to the absence of conclusive functional and genetic evidence.

NM_001267550.2(TTN):c.17038G>A (p.Gly5680Ser)

Genes: TTN (titin; minus strand), LOC126806431 (CDK7 strongly-dependent group 2 enhancer GRCh37_chr2:179595719-179596918; plus strand). Cytogenetic location: 2q31.2.
Variant type: single nucleotide variant.
Coding change: c.17038G>A on transcript NM_001267550.2 (MANE Select); coding-DNA position 17038, G replaced by A.
Protein change: p.Gly5680Ser; replaces glycine 5680 with serine.
Molecular consequence: missense variant. On other transcripts: intron variant (3).
Genome position (GRCh38, 1-based): chr2:178,731,837, C>T on the plus strand (G>A on the coding strand, the complement: TTN is on the minus strand). VCF-style: chr2-178731837-C-T. GRCh37 (hg19) VCF-style: chr2-179596564-C-T.
Other names: c.16087G>A, p.Gly5363Ser (NM_001256850.1); c.13306G>A, p.Gly4436Ser (NM_133378.4); c.13282+6245G>A (NM_003319.4); c.13858+6245G>A (NM_133437.4); c.13657+6245G>A (NM_133432.3); short protein forms G4436S, G5680S, G5363S.
Identifiers: ClinVar variation 4983089 (VCV004983089.1).